The following is an entry in ClinVar:

NM_006939.4(SOS2):c.507T>A (p.Asp169Glu)

Gene: SOS2 (SOS Ras/Rho guanine nucleotide exchange factor 2; minus strand). Cytogenetic location: 14q21.3.
Variant type: single nucleotide variant.
Coding change: c.507T>A on transcript NM_006939.4 (MANE Select); coding-DNA position 507, T replaced by A.
Protein change: p.Asp169Glu; replaces aspartic acid 169 with glutamic acid.
Molecular consequence: missense variant.
Genome position (GRCh38, 1-based): chr14:50,199,694, A>T on the plus strand (T>A on the coding strand, the complement: SOS2 is on the minus strand). VCF-style: chr14-50199694-A-T. GRCh37 (hg19) VCF-style: chr14-50666412-A-T.
Other names: c.507T>A, p.Asp169Glu (NM_001411020.1); short protein forms D169E.
Identifiers: ClinVar variation 1721595 (VCV001721595.6), dbSNP rs2503185303, ClinGen allele CA389649380.

ClinVar aggregate classification (germline): Uncertain significance (1 of 4 stars; one submission).

Conditions:
Noonan syndrome 9 (NS9). Identifiers: Orphanet 648, MedGen C4225282, MONDO:0014691, OMIM 616559.

Allele frequency attached by ClinVar (database versions not stated): gnomAD exomes below 0.00001.
gnomAD v4.1: 1 of 1,594,610 alleles (0.000063%); highest among the groups gnomAD compares: Non-Finnish European, 0.000086%; no homozygotes.

Submission:

Labcorp Genetics (formerly Invitae), Labcorp
Classification: Uncertain significance for Noonan syndrome 9. Last evaluated: 2022-10-14. Review status: criteria provided, single submitter. Criteria: Invitae Variant Classification Sherloc (09022015). Collection method: clinical testing. Allele origin: germline.
Comment: This variant has not been reported in the literature in individuals affected with SOS2-related conditions. In summary, the available evidence is currently insufficient to determine the role of this variant in disease. Therefore, it has been classified as a Variant of Uncertain Significance. Advanced modeling of protein sequence and biophysical properties (such as structural, functional, and spatial information, amino acid conservation, physicochemical variation, residue mobility, and thermodynamic stability) performed at Invitae indicates that this missense variant is expected to disrupt SOS2 protein function. This variant is not present in population databases (gnomAD no frequency). This sequence change replaces aspartic acid, which is acidic and polar, with glutamic acid, which is acidic and polar, at codon 169 of the SOS2 protein (p.Asp169Glu).